The following is an entry in ClinVar:

ClinVar aggregate classification (germline): Uncertain significance (1 of 4 stars; one submission).

Conditions:
FAH-related disorder. Also called: FAH-related condition.

Submission:

PreventionGenetics, part of Exact Sciences
Classification: Uncertain significance for FAH-related condition. Last evaluated: 2026-08-16. Review status: criteria provided, single submitter. Criteria: ACMG Guidelines, 2015. Collection method: clinical testing. Allele origin: germline.
Comment: The FAH c.955T>C variant is predicted to result in the amino acid substitution p.Phe319Leu. To our knowledge, this variant has not been reported in the literature or in a large population database (gnomAD), indicating this variant is rare. At this time, the clinical significance of this variant is uncertain due to the absence of conclusive functional and genetic evidence.

NM_000137.4(FAH):c.955T>C (p.Phe319Leu)

Gene: FAH (fumarylacetoacetate hydrolase; plus strand). Cytogenetic location: 15q25.1.
Variant type: single nucleotide variant.
Coding change: c.955T>C on transcript NM_000137.4 (MANE Select); coding-DNA position 955, T replaced by C.
Protein change: p.Phe319Leu; replaces phenylalanine 319 with leucine.
Molecular consequence: missense variant.
Genome position (GRCh38, 1-based): chr15:80,177,578, T>C. VCF-style: chr15-80177578-T-C. GRCh37 (hg19) VCF-style: chr15-80469920-T-C.
Other names: c.955T>C, p.Phe319Leu (NM_001374377.1, NM_001374380.1); short protein forms F319L.
Identifiers: ClinVar variation 4991654 (VCV004991654.1).